The following is an entry in ClinVar:

ClinVar aggregate classification (germline): Uncertain significance. Review status: criteria provided, multiple submitters, no conflicts (2 of 4 stars). 2 submissions from 2 submitters: Uncertain significance (2). Last evaluated 2026-01-13.

Conditions:
Brugada syndrome. Also called: Sudden unexpected nocturnal death syndrome; Sudden unexplained nocturnal death syndrome; Sudden Unexplained Death Syndrome; Sudden Unexplained Nocturnal Death Syndrome (SUNDS). Identifiers: Orphanet 130, MedGen C1142166, MONDO:0015263.
Cardiovascular phenotype. Identifiers: MedGen CN230736.

Allele frequency attached by ClinVar (database versions not stated): gnomAD exomes below 0.00001.
gnomAD v4.1: 1 of 1,613,858 alleles (0.000062%); highest among the groups gnomAD compares: East Asian, 0.0022%; no homozygotes.

Submissions (2):

Labcorp Genetics (formerly Invitae), Labcorp
Classification: Uncertain significance for Brugada syndrome. Last evaluated: 2026-01-13. Review status: criteria provided, single submitter. Criteria: Invitae Variant Classification Sherloc (09022015). Collection method: clinical testing. Allele origin: germline.
Comment: This sequence change replaces aspartic acid, which is acidic and polar, with glycine, which is neutral and non-polar, at codon 152 of the CACNA2D1 protein (p.Asp152Gly). This variant is present in population databases (no rsID available, gnomAD 0.005%). This variant has not been reported in the literature in individuals affected with CACNA2D1-related conditions. ClinVar contains an entry for this variant (Variation ID: 3232271). An algorithm developed to predict the effect of missense changes on protein structure and function (PolyPhen-2) suggests that this variant is likely to be disruptive. In summary, the available evidence is currently insufficient to determine the role of this variant in disease. Therefore, it has been classified as a Variant of Uncertain Significance.

Ambry Genetics
Classification: Uncertain significance for Cardiovascular phenotype. Last evaluated: 2023-10-19. Review status: criteria provided, single submitter. Criteria: Ambry Variant Classification Scheme 2023. Collection method: clinical testing. Allele origin: germline.
Comment: The p.D152G variant (also known as c.455A>G), located in coding exon 6 of the CACNA2D1 gene, results from an A to G substitution at nucleotide position 455. The aspartic acid at codon 152 is replaced by glycine, an amino acid with similar properties. This amino acid position is conserved. In addition, the in silico prediction for this alteration is inconclusive. Since supporting evidence is limited at this time, the clinical significance of this alteration remains unclear.

NM_000722.4(CACNA2D1):c.455A>G (p.Asp152Gly)

Gene: CACNA2D1 (calcium voltage-gated channel auxiliary subunit alpha2delta 1; minus strand). Cytogenetic location: 7q21.11.
Variant type: single nucleotide variant.
Coding change: c.455A>G on transcript NM_000722.4 (MANE Select); coding-DNA position 455, A replaced by G.
Protein change: p.Asp152Gly; replaces aspartic acid 152 with glycine.
Molecular consequence: missense variant.
Genome position (GRCh38, 1-based): chr7:82,117,115, T>C on the plus strand (A>G on the coding strand, the complement: CACNA2D1 is on the minus strand). VCF-style: chr7-82117115-T-C. GRCh37 (hg19) VCF-style: chr7-81746431-T-C.
Other names: c.455A>G, p.Asp152Gly (NM_001302890.2, NM_001366867.1); short protein forms D152G.
Identifiers: ClinVar variation 3232271 (VCV003232271.3), dbSNP rs1414169983, ClinGen allele CA368017106.
Genomic context (GRCh38, chr7:82,117,115, plus strand): 5'-ATGTCAGTAGGAATATGGACTGCTGCGTGCTGATAAGATATTTGTCGTCCAAAATTAGCA[T>C]CTTCAATGAAAACAGGTTTTATCCTCTGGCTGCCTGGCTCACTGTCATTTTTCTCAGGCT-3'
Protein context (NP_000713.2, residues 142-162): SQRIKPVFIE[Asp152Gly]ANFGRQISYQ